The following is an entry in ClinVar:

ClinVar aggregate classification (germline): Uncertain significance (1 of 4 stars; one submission).

Submission:

Ambry Genetics
Classification: Uncertain significance. Last evaluated: 2022-04-26. Review status: criteria provided, single submitter. Criteria: Ambry Variant Classification Scheme 2023. Collection method: clinical testing. Allele origin: germline.
Comment: The p.F815I variant (also known as c.2443T>A), located in coding exon 15 of the POLQ gene, results from a T to A substitution at nucleotide position 2443. The phenylalanine at codon 815 is replaced by isoleucine, an amino acid with highly similar properties. This amino acid position is conserved. In addition, this alteration is predicted to be tolerated by in silico analysis. Since supporting evidence is limited at this time, the clinical significance of this alteration remains unclear.

NM_199420.4(POLQ):c.2443T>A (p.Phe815Ile)

Gene: POLQ (DNA polymerase theta; minus strand). Cytogenetic location: 3q13.33.
Variant type: single nucleotide variant.
Coding change: c.2443T>A on transcript NM_199420.4 (MANE Select); coding-DNA position 2443, T replaced by A.
Protein change: p.Phe815Ile; replaces phenylalanine 815 with isoleucine.
Molecular consequence: missense variant.
Genome position (GRCh38, 1-based): chr3:121,493,557, A>T on the plus strand (T>A on the coding strand, the complement: POLQ is on the minus strand). VCF-style: chr3-121493557-A-T. GRCh37 (hg19) VCF-style: chr3-121212404-A-T.
Other names: short protein forms F815I.
Identifiers: ClinVar variation 1791363 (VCV001791363.2), dbSNP rs770239323, ClinGen allele CA354107643.